The following is an entry in ClinVar:

ClinVar aggregate classification (germline): Likely pathogenic (1 of 4 stars; one submission).

Conditions:
Spermatogenic failure 46. Identifiers: MedGen C5436799, MONDO:0033673, OMIM 619095.

Submission:

First Genomix Gene Laboratory, Genetic Diagnostics Department
Classification: Likely pathogenic for Spermatogenic failure 46. Last evaluated: 2025-03-18. Review status: criteria provided, single submitter. Criteria: ACMG Guidelines, 2015. Collection method: clinical testing. Allele origin: germline. Inheritance: Autosomal recessive inheritance. Affected: no. Observed: 1 variant allele.

NM_001206927.2(DNAH8):c.3366del (p.Ala1123fs)

Gene: DNAH8 (dynein axonemal heavy chain 8; plus strand). Cytogenetic location: 6p21.2.
Variant type: Deletion.
Coding change: c.3366del on transcript NM_001206927.2 (MANE Select); coding-DNA position 3366, one base deleted (A; older notation c.3366delA).
Protein change: p.Ala1123fs; shifts the reading frame from alanine 1123.
Molecular consequence: frameshift variant.
Genome position (GRCh38, 1-based): chr6:38,815,500, A deleted; the last of 2 consecutive A bases (chr6:38,815,499-38,815,500); deleting either gives the same sequence. VCF-style (leftmost placement, unchanged base first): chr6-38815498-CA-C. GRCh37 (hg19) VCF-style: chr6-38783274-CA-C.
Other names: c.2715del, p.Ala906fs (NM_001371.4); c.3366delA (NM_001206927.2); short protein forms A1123fs, A906fs.
Identifiers: ClinVar variation 4845874 (VCV004845874.1).